The following is an entry in ClinVar:

ClinVar aggregate classification (germline): Pathogenic/Likely pathogenic. Review status: criteria provided, multiple submitters, no conflicts (2 of 4 stars). 2 submissions from 2 submitters: Pathogenic (1); Likely pathogenic (1). Last evaluated 2021-04-01.

Conditions:
Retinitis pigmentosa (RP). Identifiers: Orphanet 791, MedGen C0035334, MeSH D012174, MONDO:0019200, OMIM 268000. Inheritance: Autosomal dominant, autosomal recessive and X linked inheritance.

Submissions (2):

Broad Center for Mendelian Genomics, Broad Institute of MIT and Harvard
Classification: Likely pathogenic for Retinitis pigmentosa. Last evaluated: 2021-04-01. Review status: criteria provided, single submitter. Criteria: ACMG Guidelines, 2015. Collection method: curation. Allele origin: germline. Inheritance: Autosomal dominant inheritance. Affected: yes.
Comment: Through a review of available evidence we were able to apply the following criteria: PVS1, PM2. Based on this evidence we have classified this variant as Likely Pathogenic. If you have any questions about the classification please reach out to the Pierce Lab.

GeneDx
Classification: Pathogenic. Last evaluated: 2017-03-31. Review status: criteria provided, single submitter. Criteria: GeneDx Variant Classification (06012015). Collection method: clinical testing. Allele origin: germline. Affected: yes.
Comment: The c.950delG pathogenic variant in the PRPF31 gene has not been reported previously as a pathogenic variant nor as a benign variant, to our knowledge. The c.950delG variant causes a frameshift starting with codon Glycine 317, changes this amino acid to an Alanine residue, and creates a premature Stop codon at position 4 of the new reading frame, denoted p.Gly317AlafsX4. This variant is predicted to cause loss of normal protein function either through protein truncation or nonsense-mediated mRNA decay. The c.950delG variant was not observed in approximately 6,000 individuals of European and African American ancestry in the NHLBI Exome Sequencing Project, indicating it is not a common benign variant in these populations. We interpret c.950delG as a pathogenic variant.

Literature cited by the submitters: PubMed 34906470 (cited by Broad Center for Mendelian Genomics, Broad Institute of MIT and Harvard).

NM_015629.4(PRPF31):c.950del (p.Gly317fs)

Gene: PRPF31 (pre-mRNA processing factor 31; plus strand). Cytogenetic location: 19q13.42.
Variant type: Deletion.
Coding change: c.950del on transcript NM_015629.4 (MANE Select); coding-DNA position 950, one base deleted (G; older notation c.950delG).
Protein change: p.Gly317fs; shifts the reading frame from glycine 317.
Molecular consequence: frameshift variant.
Genome position (GRCh38, 1-based): chr19:54,128,077, G deleted; the last of 3 consecutive G bases (chr19:54,128,075-54,128,077); deleting any one gives the same sequence. VCF-style (leftmost placement, unchanged base first): chr19-54128074-TG-T. GRCh37 (hg19) VCF-style: chr19-54631449-TG-T.
Other names: c.950delG (NM_015629.3); short protein forms G317fs.
Identifiers: ClinVar variation 280597 (VCV000280597.4), dbSNP rs886041773, ClinGen allele CA309329246.